The following is an entry in ClinVar:

ClinVar aggregate classification (germline): Benign/Likely benign. Review status: criteria provided, multiple submitters, no conflicts (2 of 4 stars). 7 submissions from 7 submitters: Benign (1); Likely benign (6). Last evaluated 2026-06-01.

Conditions:
Ehlers-Danlos syndrome, classic type, 1 (EDSCL1). Also called: EDS I; EHLERS-DANLOS SYNDROME, GRAVIS TYPE; EHLERS-DANLOS SYNDROME, SEVERE CLASSIC TYPE; Ehlers-Danlos syndrome, type 1; Ehlers-Danlos Syndrome, Classic Type, COL5A1-Related. Identifiers: MedGen C0268335, MONDO:0019567, OMIM 130000.
Ehlers-Danlos syndrome (EDS). Identifiers: Orphanet 98249, MedGen C0013720, MONDO:0020066.
Familial thoracic aortic aneurysm and aortic dissection (TAAD). Also called: Thoracic aortic aneurysms and dissections. Identifiers: Orphanet 91387, MedGen C4707243, MONDO:0019625.

Allele frequency attached by ClinVar (database versions not stated): gnomAD 0.00005; TOPMed 0.00006.
gnomAD v4.1: 113 of 1,607,714 alleles (0.007%); highest among the groups gnomAD compares: Admixed American, 0.01%; no homozygotes.

Submissions (7):

CeGaT Center for Human Genetics Tuebingen
Classification: Likely benign. Last evaluated: 2026-06-01. Review status: criteria provided, single submitter. Criteria: CeGaT Center For Human Genetics Tuebingen Variant Classification Criteria Version 2. Collection method: clinical testing. Allele origin: germline. Affected: yes. Observed: 2 variant alleles.
Comment: COL5A1: BP4, BP7

Labcorp Genetics (formerly Invitae), Labcorp
Classification: Likely benign for Ehlers-Danlos syndrome, classic type, 1. Last evaluated: 2026-01-17. Review status: criteria provided, single submitter. Criteria: Invitae Variant Classification Sherloc (09022015). Collection method: clinical testing. Allele origin: germline.

Women's Health and Genetics/Laboratory Corporation of America, LabCorp
Classification: Benign. Last evaluated: 2025-03-21. Review status: criteria provided, single submitter. Criteria: LabCorp Variant Classification Summary - May 2015. Collection method: clinical testing. Allele origin: germline.

GeneDx
Classification: Likely benign. Last evaluated: 2021-03-12. Review status: criteria provided, single submitter. Criteria: GeneDx Variant Classification Process June 2021. Collection method: clinical testing. Allele origin: germline. Affected: yes.

Blueprint Genetics
Classification: Likely benign. Last evaluated: 2020-12-20. Review status: criteria provided, single submitter. Criteria: ACMG Guidelines, 2015. Collection method: clinical testing. Allele origin: germline.

Genome Diagnostics Laboratory, The Hospital for Sick Children
Classification: Likely benign for Ehlers-Danlos syndrome. Last evaluated: 2019-07-01. Review status: criteria provided, single submitter. Criteria: ACMG Guidelines, 2015. Collection method: clinical testing. Allele origin: germline.

Ambry Genetics
Classification: Likely benign for Familial thoracic aortic aneurysm and aortic dissection. Last evaluated: 2015-06-02. Review status: criteria provided, single submitter. Criteria: Ambry Variant Classification Scheme 2023. Collection method: clinical testing. Allele origin: germline.

NM_000093.5(COL5A1):c.3087G>A (p.Pro1029=)

Gene: COL5A1 (collagen type V alpha 1 chain; plus strand). Cytogenetic location: 9q34.3.
Variant type: single nucleotide variant.
Coding change: c.3087G>A on transcript NM_000093.5 (MANE Select); coding-DNA position 3087, G replaced by A.
Protein change: p.Pro1029=; no amino-acid change (proline 1029 retained).
Molecular consequence: synonymous variant.
Genome position (GRCh38, 1-based): chr9:134,802,968, G>A. VCF-style: chr9-134802968-G-A. GRCh37 (hg19) VCF-style: chr9-137694814-G-A.
Other names: c.3087G>A, p.Pro1029= (NM_001278074.1).
Identifiers: ClinVar variation 264078 (VCV000264078.40), dbSNP rs774035950, ClinGen allele CA5319750.